The following is an entry in ClinVar:

ClinVar aggregate classification (germline): Uncertain significance (1 of 4 stars; one submission).

gnomAD v4.1: 2 of 1,613,476 alleles (0.00012%); highest among the groups gnomAD compares: South Asian, 0.0011%; no homozygotes.

Submission:

Ambry Genetics
Classification: Uncertain significance. Last evaluated: 2024-12-20. Review status: criteria provided, single submitter. Criteria: Ambry Variant Classification Scheme 2023. Collection method: clinical testing. Allele origin: germline.
Comment: The p.P1452T variant (also known as c.4354C>A), located in coding exon 12 of the MLH3 gene, results from a C to A substitution at nucleotide position 4354. The proline at codon 1452 is replaced by threonine, an amino acid with highly similar properties. This amino acid position is conserved. In addition, the in silico prediction for this alteration is inconclusive. Based on the available evidence, the clinical significance of this variant remains unclear.

NM_001040108.2(MLH3):c.4354C>A (p.Pro1452Thr)

Gene: MLH3 (mutL homolog 3; minus strand). Cytogenetic location: 14q24.3.
Variant type: single nucleotide variant.
Coding change: c.4354C>A on transcript NM_001040108.2 (MANE Select); coding-DNA position 4354, C replaced by A.
Protein change: p.Pro1452Thr; replaces proline 1452 with threonine.
Molecular consequence: missense variant.
Genome position (GRCh38, 1-based): chr14:75,017,090, G>T on the plus strand (C>A on the coding strand, the complement: MLH3 is on the minus strand). VCF-style: chr14-75017090-G-T. GRCh37 (hg19) VCF-style: chr14-75483793-G-T.
Other names: c.4282C>A, p.Pro1428Thr (NM_014381.3); short protein forms P1428T, P1452T.
Identifiers: ClinVar variation 3873478 (VCV003873478.1).
Genomic context (GRCh38, chr14:75,017,090, plus strand): 5'-AGAGGCATACAGTGAACATCCCTTTGTTCCTTTTAGACCAGTGATTCTGTTCTCATGGTG[G>T]CTCACAGGGAGGCATGGATTGCTGCAGGCTCTGCCTTGTATCACACTCTGCTTTTCCAAA-3'
Protein context (NP_001035197.1, residues 1442-1453): SLQQSMPPCE[Pro1452Thr]P